The following is an entry in ClinVar:

NM_006767.4(LZTR1):c.2486C>G (p.Ser829Ter)

Gene: LZTR1 (leucine zipper like post translational regulator 1; plus strand). Cytogenetic location: 22q11.21.
Variant type: single nucleotide variant.
Coding change: c.2486C>G on transcript NM_006767.4 (MANE Select); coding-DNA position 2486, C replaced by G.
Protein change: p.Ser829Ter; replaces serine 829 with a stop codon.
Molecular consequence: nonsense.
Genome position (GRCh38, 1-based): chr22:20,997,311, C>G. VCF-style: chr22-20997311-C-G. GRCh37 (hg19) VCF-style: chr22-21351600-C-G.
Other names: short protein forms S829*.
Identifiers: ClinVar variation 3238259 (VCV003238259.1), dbSNP rs2147971051.

ClinVar aggregate classification (germline): Uncertain significance (1 of 4 stars; one submission).

Conditions:
Hereditary cancer-predisposing syndrome. Also called: Neoplastic Syndromes, Hereditary; Tumor predisposition; Hereditary neoplastic syndrome; Hereditary Cancer Syndrome. Identifiers: Orphanet 140162, MedGen C0027672, MeSH D009386, MONDO:0015356.
Cardiovascular phenotype. Identifiers: MedGen CN230736.

Submission:

Ambry Genetics
Classification: Uncertain significance for Cardiovascular phenotype; Hereditary cancer-predisposing syndrome. Last evaluated: 2024-02-14. Review status: criteria provided, single submitter. Criteria: Ambry Variant Classification Scheme 2023. Collection method: clinical testing. Allele origin: germline.
Comment: The p.S829* variant (also known as c.2486C>G), located in coding exon 21 of the LZTR1 gene, results from a C to G substitution at nucleotide position 2486. This changes the amino acid from a serine to a stop codon within coding exon 21. This alteration occurs at the 3' terminus of theLZTR1 gene, is not expected to trigger nonsense-mediated mRNAdecay, and only impacts the last 12 amino acids of the protein. The exact functional effect of this alteration is unknown. Based on the available evidence, the clinical significance of this alteration remains unclear.